The following is an entry in ClinVar:

NM_000038.6(APC):c.3824G>C (p.Ser1275Thr)

Gene: APC (APC regulator of Wnt signaling pathway; plus strand). Cytogenetic location: 5q22.2.
Variant type: single nucleotide variant.
Coding change: c.3824G>C on transcript NM_000038.6 (MANE Select); coding-DNA position 3824, G replaced by C.
Protein change: p.Ser1275Thr; replaces serine 1275 with threonine.
Molecular consequence: missense variant.
Genome position (GRCh38, 1-based): chr5:112,839,418, G>C. VCF-style: chr5-112839418-G-C. GRCh37 (hg19) VCF-style: chr5-112175115-G-C.
Other names: p.S1275T:AGT>ACT; c.3824G>C, p.Ser1275Thr (NM_001127510.3, NM_001354895.2); c.3770G>C, p.Ser1257Thr (NM_001127511.3); c.3878G>C, p.Ser1293Thr (NM_001354896.2); c.3854G>C, p.Ser1285Thr (NM_001354897.2); c.3749G>C, p.Ser1250Thr (NM_001354898.2); c.3740G>C, p.Ser1247Thr (NM_001354899.2); c.3701G>C, p.Ser1234Thr (NM_001354900.2); and 6 more; short protein forms S1257T, S1275T, S1174T, S1216T, S1234T, S1247T, S1250T, S1285T.
Identifiers: ClinVar variation 141293 (VCV000141293.32), dbSNP rs587781637, ClinGen allele CA008695.

ClinVar aggregate classification (germline): Conflicting classifications of pathogenicity. Review status: criteria provided, conflicting classifications (1 of 4 stars). 11 submissions from 11 submitters: Uncertain significance (9); Likely benign (1). 1 of the submissions does not count toward it. Last evaluated 2026-01-28.

Conditions:
APC-related disorder. Also called: APC-related condition.
Classic or attenuated familial adenomatous polyposis. Identifiers: MedGen CN372698, MONDO:0021057.
Hereditary cancer-predisposing syndrome. Also called: Neoplastic Syndromes, Hereditary; Tumor predisposition; Hereditary Cancer Syndrome; Hereditary neoplastic syndrome. Identifiers: Orphanet 140162, MedGen C0027672, MeSH D009386, MONDO:0015356.
Familial adenomatous polyposis 1 (FAP1). Also called: FAMILIAL ADENOMATOUS POLYPOSIS 1, ATTENUATED; POLYPOSIS, ADENOMATOUS INTESTINAL. Identifiers: MedGen C2713442, MONDO:0021056, OMIM 175100. Disease mechanism: loss of function.

Allele frequency attached by ClinVar (database versions not stated): gnomAD 0.00001; gnomAD exomes 0.00001 and 0.00002; TOPMed 0.00001; ExAC 0.00003.
gnomAD v4.1: 10 of 1,614,010 alleles (0.00062%); highest among the groups gnomAD compares: Non-Finnish European, 0.00068%; no homozygotes.

Submissions (11):

Labcorp Genetics (formerly Invitae), Labcorp
Classification: Uncertain significance for Familial adenomatous polyposis 1. Last evaluated: 2026-01-28. Review status: criteria provided, single submitter. Criteria: Invitae Variant Classification Sherloc (09022015). Collection method: clinical testing. Allele origin: germline.
Comment: This sequence change replaces serine, which is neutral and polar, with threonine, which is neutral and polar, at codon 1275 of the APC protein (p.Ser1275Thr). This variant is present in population databases (rs587781637, gnomAD 0.004%). This variant has not been reported in the literature in individuals affected with APC-related conditions. ClinVar contains an entry for this variant (Variation ID: 141293). Invitae Evidence Modeling of protein sequence and biophysical properties (such as structural, functional, and spatial information, amino acid conservation, physicochemical variation, residue mobility, and thermodynamic stability) indicates that this missense variant is not expected to disrupt APC protein function with a negative predictive value of 95%. In summary, the available evidence is currently insufficient to determine the role of this variant in disease. Therefore, it has been classified as a Variant of Uncertain Significance.

All of Us Research Program, National Institutes of Health
Classification: Uncertain significance for Classic or attenuated familial adenomatous polyposis. Last evaluated: 2024-07-20. Review status: criteria provided, single submitter. Criteria: ACMG Guidelines, 2015. Collection method: clinical testing. Allele origin: germline. Inheritance: Autosomal dominant inheritance. Observed: 6 variant alleles, 6 heterozygotes.
Comment: This missense variant replaces serine with threonine at codon 1275 of the APC protein. Computational prediction is inconclusive regarding the impact of this variant on protein structure and function (internally defined REVEL score threshold 0.5 < inconclusive < 0.7, PMID: 27666373). To our knowledge, functional studies have not been reported for this variant. This variant has not been reported in individuals affected with APC-related disorders in the literature. This variant has been identified in 5/250608 chromosomes in the general population by the Genome Aggregation Database (gnomAD). The available evidence is insufficient to determine the role of this variant in disease conclusively. Therefore, this variant is classified as a Variant of Uncertain Significance.

This study involves interpretation of variants in research participants for the purpose of population health screening. Participant phenotype was not available at the time of variant classification. Additional details can be found in publication PMID: 35346344, PMCID: PMC8962531

Color Diagnostics, LLC DBA Color Health
Classification: Uncertain significance for Hereditary cancer-predisposing syndrome. Last evaluated: 2024-03-06. Review status: criteria provided, single submitter. Criteria: ACMG Guidelines, 2015. Collection method: clinical testing. Allele origin: germline.
Comment: This missense variant replaces serine with threonine at codon 1275 of the APC protein. Computational prediction is inconclusive regarding the impact of this variant on protein structure and function (internally defined REVEL score threshold 0.5 < inconclusive < 0.7, PMID: 27666373). To our knowledge, functional studies have not been reported for this variant. This variant has not been reported in individuals affected with APC-related disorders in the literature. This variant has been identified in 5/250608 chromosomes in the general population by the Genome Aggregation Database (gnomAD). The available evidence is insufficient to determine the role of this variant in disease conclusively. Therefore, this variant is classified as a Variant of Uncertain Significance.

Baylor Genetics
Classification: Uncertain significance for Familial adenomatous polyposis 1. Last evaluated: 2023-10-01. Review status: criteria provided, single submitter. Criteria: ACMG Guidelines, 2015. Collection method: clinical testing. Allele origin: unknown.

Ambry Genetics
Classification: Likely benign for Hereditary cancer-predisposing syndrome. Last evaluated: 2023-08-31. Review status: criteria provided, single submitter. Criteria: Ambry Variant Classification Scheme 2023. Collection method: clinical testing. Allele origin: germline.

PreventionGenetics, part of Exact Sciences
Classification: Uncertain significance for APC-related condition. Last evaluated: 2023-02-23. Review status: criteria provided, single submitter. Criteria: ACMG Guidelines, 2015. Collection method: clinical testing. Allele origin: germline.
Comment: The APC c.3824G>C variant is predicted to result in the amino acid substitution p.Ser1275Thr. To our knowledge, this variant has not been reported in the literature. This variant is reported in 0.0044% of alleles in individuals of European (Non-Finnish) descent in gnomAD and is interpreted as uncertain significance in ClinVar. At this time, the clinical significance of this variant is uncertain due to the absence of conclusive functional and genetic evidence.

Myriad Genetics, Inc.
Classification: Uncertain significance for Familial adenomatous polyposis 1. Last evaluated: 2023-02-21. Review status: criteria provided, single submitter. Criteria: Myriad Autosomal Dominant, Autosomal Recessive and X-Linked Classification Criteria (2023). Collection method: clinical testing. Allele origin: unknown.
Comment: This variant is classified as a variant of uncertain significance as there is insufficient evidence to determine its impact on protein function and/or cancer risk.

Sema4
Classification: Uncertain significance for Hereditary cancer-predisposing syndrome. Last evaluated: 2021-10-28. Review status: criteria provided, single submitter. Criteria: Sema4 Curation Guidelines. Collection method: curation. Allele origin: germline.
Comment: The APC c.3824G>C (p.S1275T) variant has not been reported in the literature to our knowledge. It was observed in 5/250608 chromosomes of the Non-Finnish European subpopulation in the large and broad cohorts of the Genome Aggregation Database (PMID: 32461654). This variant has been reported in ClinVar (Variation ID 141293). Functional studies have not been performed, and in silico predictions of the variant's effect on protein function are inconclusive. The evidence is insufficient to meet ACMG/AMP criteria for classifying the variant as benign or pathogenic. Thus, the clinical significance of this variant is currently uncertain.

Genetic Services Laboratory, University of Chicago
Classification: Uncertain significance. Last evaluated: 2020-03-02. Review status: criteria provided, single submitter. Criteria: ACMG Guidelines, 2015. Collection method: clinical testing. Allele origin: germline. Affected: no.
Comment: DNA sequence analysis of the APC gene demonstrated a sequence change, c.3824G>C, in exon 16 that results in an amino acid change, p.Ser1275Thr. This sequence change does not appear to have been previously described in patients with APC-related disorders and has been described in the gnomAD database with an overall low population frequency of 0.0020% (dbSNP rs587781637). The p.Ser1275Thr change affects a highly conserved amino acid residue located in a domain of the APC protein that is known to be functional. In-silico pathogenicity prediction tools (SIFT, PolyPhen2, Align GVGD, REVEL) provide contradictory results for the p.Ser1275Thr substitution. Due to these contrasting evidences and the lack of functional studies, the clinical significance of the p.Ser1275Thr change remains unknown at this time.

GeneDx
Classification: Uncertain significance. Last evaluated: 2018-07-26. Review status: criteria provided, single submitter. Criteria: GeneDx Variant Classification (06012015). Collection method: clinical testing. Allele origin: germline. Affected: yes.
Comment: This variant is denoted APC c.3824G>C at the cDNA level, p.Ser1275Thr (S1275T) at the protein level, and results in the change of a Serine to a Threonine (AGT>ACT). This variant has not, to our knowledge, been published in the literature as pathogenic or benign. APC Ser1275Thr was not observed at a significant allele frequency in large population cohorts (Lek 2016). This variant is located in a beta-catenin down-regulating domain (Azzopardi 2008). In silico analysis, which includes protein predictors and evolutionary conservation, supports that this variant does not alter protein structure/function. Based on currently available information, it is unclear whether APC Ser1275Thr is pathogenic or benign. We consider it to be a variant of uncertain significance.

Counsyl
Classification: Uncertain significance for Familial adenomatous polyposis 1. Last evaluated: 2015-11-24. Review status: no assertion criteria provided. Collection method: clinical testing. Allele origin: unknown. Not counted in ClinVar's aggregate classification.